The following is an entry in ClinVar:

ClinVar aggregate classification (germline): Likely benign. Review status: criteria provided, multiple submitters, no conflicts (2 of 4 stars). 6 submissions from 6 submitters: Likely benign (6). Last evaluated 2026-05-04.

Conditions:
Arrhythmogenic cardiomyopathy with wooly hair and keratoderma. Also called: PALMOPLANTAR KERATODERMA WITH LEFT VENTRICULAR CARDIOMYOPATHY AND WOOLLY HAIR; Carvajal syndrome; Arrhythmogenic cardiomyopathy with woolly hair and keratoderma; Dilated cardiomyopathy with woolly hair and keratoderma. Identifiers: Orphanet 65282, MedGen C1854063, MONDO:0011581, OMIM 605676.
Arrhythmogenic right ventricular dysplasia 8 (ARVD8). Also called: Arrhythmogenic Right Ventricular Dysplasia/Cardiomyopathy 8; ARRHYTHMOGENIC RIGHT VENTRICULAR DYSPLASIA, FAMILIAL, 8; ARRHYTHMOGENIC RIGHT VENTRICULAR CARDIOMYOPATHY 8. Identifiers: MedGen C1843896, MONDO:0011831, OMIM 607450.
Cardiomyopathy (CMYO). Also called: Cardiomyopathies. Identifiers: Orphanet 167848, MedGen C0878544, MONDO:0004994, HP:0001638. Inheritance: Various modes of inheritance.
Woolly hair-skin fragility syndrome (WHSF). Identifiers: Orphanet 293165, MedGen C1843292, MONDO:0957307, OMIM 620415.
Keratosis palmoplantaris striata 2. Also called: KERATODERMA, PALMOPLANTAR, STRIATE FORM II; STRIATE PALMOPLANTAR KERATODERMA II; Keratosis palmoplantaris striata II. Identifiers: MedGen C1852127, MONDO:0013034, OMIM 612908.
Lethal acantholytic epidermolysis bullosa (EBLA). Identifiers: Orphanet 158687, MedGen C1864826, MONDO:0012323, OMIM 609638.
Cardiomyopathy, dilated, with wooly hair, keratoderma, and tooth agenesis. Also called: Erythrokeratodermia-cardiomyopathy syndrome; Cardiomyopathy, dilated, with woolly hair, keratoderma, and tooth agenesis. Identifiers: Orphanet 476096, Orphanet 65282, MedGen C4014393, MONDO:0014355, OMIM 615821.
Cardiovascular phenotype. Identifiers: MedGen CN230736.

Allele frequency attached by ClinVar (database versions not stated): gnomAD exomes 0.00002 and 0.00003; ExAC 0.00001; TOPMed 0.00002.

Submissions (6):

Women's Health and Genetics/Laboratory Corporation of America, LabCorp
Classification: Likely benign. Last evaluated: 2026-05-04. Review status: criteria provided, single submitter. Criteria: LabCorp Variant Classification Summary - May 2015. Collection method: clinical testing. Allele origin: germline.

Labcorp Genetics (formerly Invitae), Labcorp
Classification: Likely benign for Arrhythmogenic cardiomyopathy with wooly hair and keratoderma; Arrhythmogenic right ventricular dysplasia 8. Last evaluated: 2025-11-05. Review status: criteria provided, single submitter. Criteria: Invitae Variant Classification Sherloc (09022015). Collection method: clinical testing. Allele origin: germline.

Fulgent Genetics
Classification: Likely benign for Arrhythmogenic cardiomyopathy with wooly hair and keratoderma; Arrhythmogenic right ventricular dysplasia 8; Lethal acantholytic epidermolysis bullosa; Keratosis palmoplantaris striata 2; Cardiomyopathy, dilated, with wooly hair, keratoderma, and tooth agenesis. Last evaluated: 2021-07-26. Review status: criteria provided, single submitter. Criteria: ACMG Guidelines, 2015. Collection method: clinical testing. Allele origin: unknown.

Ambry Genetics
Classification: Likely benign for Cardiovascular phenotype. Last evaluated: 2019-12-19. Review status: criteria provided, single submitter. Criteria: Ambry Variant Classification Scheme 2023. Collection method: clinical testing. Allele origin: germline.

Color Diagnostics, LLC DBA Color Health
Classification: Likely benign for Cardiomyopathy. Last evaluated: 2019-02-08. Review status: criteria provided, single submitter. Criteria: ACMG Guidelines, 2015. Collection method: clinical testing. Allele origin: germline.

GeneDx
Classification: Likely benign. Last evaluated: 2018-02-19. Review status: criteria provided, single submitter. Criteria: GeneDx Variant Classification (06012015). Collection method: clinical testing. Allele origin: germline. Affected: yes.
Comment: This variant is considered likely benign or benign based on one or more of the following criteria: it is a conservative change, it occurs at a poorly conserved position in the protein, it is predicted to be benign by multiple in silico algorithms, and/or has population frequency not consistent with disease.

NM_004415.4(DSP):c.5193C>T (p.Tyr1731=)

Gene: DSP (desmoplakin; plus strand). Cytogenetic location: 6p24.3.
Variant type: single nucleotide variant.
Coding change: c.5193C>T on transcript NM_004415.4 (MANE Select); coding-DNA position 5193, C replaced by T.
Protein change: p.Tyr1731=; no amino-acid change (tyrosine 1731 retained).
Molecular consequence: synonymous variant. On other transcripts: intron variant (2).
Genome position (GRCh38, 1-based): chr6:7,581,383, C>T. VCF-style: chr6-7581383-C-T. GRCh37 (hg19) VCF-style: chr6-7581616-C-T.
Other names: c.5193C>T (LRG_423t1); c.4050+1143C>T (NM_001319034.2); c.3583-1259C>T (NM_001008844.3).
Identifiers: ClinVar variation 515595 (VCV000515595.16), dbSNP rs201663619, ClinGen allele CA044166.